The following is an entry in ClinVar:

ClinVar aggregate classification (germline): Pathogenic/Likely pathogenic. Review status: criteria provided, multiple submitters, no conflicts (2 of 4 stars). 3 submissions from 3 submitters: Pathogenic (2); Likely pathogenic (1). Last evaluated 2026-03-10.

Conditions:
Severe intellectual disability-progressive spastic diplegia syndrome (NEDSDV). Also called: NEURODEVELOPMENTAL DISORDER WITH SPASTIC DIPLEGIA AND VISUAL DEFECTS; CTNNB1 Neurodevelopmental Disorder. Identifiers: Orphanet 404473, MedGen C3554449, MONDO:0014035, OMIM 615075.

Submissions (3):

Institute of Medical Genetics and Applied Genomics, University Hospital Tübingen
Classification: Pathogenic for Severe intellectual disability-progressive spastic diplegia syndrome. Last evaluated: 2026-03-10. Review status: criteria provided, single submitter. Criteria: ACMG Guidelines, 2015. Collection method: clinical testing. Allele origin: germline. Inheritance: Autosomal dominant inheritance. Affected: yes.

Department of Human Genetics, Hannover Medical School
Classification: Likely pathogenic for Severe intellectual disability-progressive spastic diplegia syndrome. Last evaluated: 2025-02-12. Review status: criteria provided, single submitter. Criteria: ACMG Guidelines, 2015. Collection method: clinical testing. Allele origin: germline. Affected: yes.
Comment: ACMG: PVS1, PM2_Supporting

Labcorp Genetics (formerly Invitae), Labcorp
Classification: Pathogenic. Last evaluated: 2025-02-07. Review status: criteria provided, single submitter. Criteria: Invitae Variant Classification Sherloc (09022015). Collection method: clinical testing. Allele origin: germline.
Comment: This sequence change creates a premature translational stop signal (p.Lys233*) in the CTNNB1 gene. It is expected to result in an absent or disrupted protein product. Loss-of-function variants in CTNNB1 are known to be pathogenic (PMID: 23033978, 24614104, 25326669, 26350204, 28575650). This variant is not present in population databases (gnomAD no frequency). This variant has not been reported in the literature in individuals affected with CTNNB1-related conditions. ClinVar contains an entry for this variant (Variation ID: 1068620). For these reasons, this variant has been classified as Pathogenic.

Literature cited by the submitters: PubMed 23033978 (cited by Labcorp Genetics (formerly Invitae), Labcorp); PubMed 24614104 (cited by Labcorp Genetics (formerly Invitae), Labcorp); PubMed 25326669 (cited by Labcorp Genetics (formerly Invitae), Labcorp); PubMed 26350204 (cited by Labcorp Genetics (formerly Invitae), Labcorp); PubMed 28575650 (cited by Labcorp Genetics (formerly Invitae), Labcorp).

NM_001904.4(CTNNB1):c.696dup (p.Lys233Ter)

Genes: CTNNB1 (catenin beta 1; plus strand), LOC126806658 (BRD4-independent group 4 enhancer GRCh37_chr3:41265899-41267098; plus strand). Cytogenetic location: 3p22.1.
Variant type: Duplication.
Coding change: c.696dup on transcript NM_001904.4 (MANE Select); coding-DNA position 696, one base duplicated (T; older notation c.696dupT).
Protein change: p.Lys233Ter; replaces lysine 233 with a stop codon.
Molecular consequence: nonsense.
Genome position (GRCh38, 1-based): chr3:41,225,534, T duplicated; the last of 3 consecutive T bases (chr3:41,225,532-41,225,534); duplicating any one gives the same sequence. VCF-style (leftmost placement, unchanged base first): chr3-41225531-C-CT. GRCh37 (hg19) VCF-style: chr3-41267022-C-CT.
Other names: c.696dup, p.Lys233Ter (NM_001098209.2, NM_001098210.2); c.675dup, p.Lys226Ter (NM_001330729.2); short protein forms K226*, K233*.
Identifiers: ClinVar variation 1068620 (VCV001068620.6), dbSNP rs2125623360, ClinGen allele CA2499216778.